The following is an entry in ClinVar:

NM_080424.4(SP110):c.431C>A (p.Pro144His)

Genes: SP110 (SP110 nuclear body protein; minus strand), SP140 (SP140 nuclear body protein; plus strand). Cytogenetic location: 2q37.1.
Variant type: single nucleotide variant.
Coding change: c.431C>A on transcript NM_080424.4 (MANE Select); coding-DNA position 431, C replaced by A.
Protein change: p.Pro144His; replaces proline 144 with histidine.
Molecular consequence: missense variant.
Genome position (GRCh38, 1-based): chr2:230,212,913, G>T on the plus strand (C>A on the coding strand, the complement: SP110 is on the minus strand). VCF-style: chr2-230212913-G-T. GRCh37 (hg19) VCF-style: chr2-231077628-G-T.
Other names: c.449C>A, p.Pro150His (NM_001185015.2, NM_001378442.1, NM_001378444.1 and 2 more transcripts); c.431C>A, p.Pro144His (NM_001378443.1, NM_001378447.1, NM_004509.5 and 1 more transcripts); short protein forms P144H, P150H.
Identifiers: ClinVar variation 843665 (VCV000843665.8), dbSNP rs151199258, ClinGen allele CA2154832.

ClinVar aggregate classification (germline): Conflicting classifications of pathogenicity. Review status: criteria provided, conflicting classifications (1 of 4 stars). 2 submissions from 2 submitters: Uncertain significance (1); Likely benign (1). Last evaluated 2024-06-11.

Conditions:
Hepatic veno-occlusive disease-immunodeficiency syndrome. Also called: Hepatic Veno-Occlusive Disease with Immunodeficiency. Identifiers: Orphanet 79124, MedGen C1856128, MONDO:0009338, OMIM 235550. Disease mechanism: loss of function.

Allele frequency attached by ClinVar (database versions not stated): gnomAD exomes 0.00006; ExAC 0.00007; gnomAD 0.00011; TOPMed 0.00012; ESP Exome Variant Server 0.00015; 1000 Genomes Project 30x 0.00016; 1000 Genomes Project 0.00020.
gnomAD v4.1: 42 of 1,614,086 alleles (0.0026%); highest among the groups gnomAD compares: African/African-American, 0.049%; no homozygotes.

Submissions (2):

Blueprint Genetics
Classification: Likely benign. Last evaluated: 2024-06-11. Review status: criteria provided, single submitter. Criteria: ACMG Guidelines, 2015. Collection method: clinical testing. Allele origin: germline.

Labcorp Genetics (formerly Invitae), Labcorp
Classification: Uncertain significance for Hepatic veno-occlusive disease-immunodeficiency syndrome. Last evaluated: 2022-08-19. Review status: criteria provided, single submitter. Criteria: Invitae Variant Classification Sherloc (09022015). Collection method: clinical testing. Allele origin: germline.
Comment: This sequence change replaces proline, which is neutral and non-polar, with histidine, which is basic and polar, at codon 144 of the SP110 protein (p.Pro144His). This variant is present in population databases (rs151199258, gnomAD 0.07%). This variant has not been reported in the literature in individuals affected with SP110-related conditions. ClinVar contains an entry for this variant (Variation ID: 843665). Algorithms developed to predict the effect of missense changes on protein structure and function output the following: SIFT: "Tolerated"; PolyPhen-2: "Benign"; Align-GVGD: "Class C0". The histidine amino acid residue is found in multiple mammalian species, which suggests that this missense change does not adversely affect protein function. In summary, the available evidence is currently insufficient to determine the role of this variant in disease. Therefore, it has been classified as a Variant of Uncertain Significance.